The following is an entry in ClinVar:

NM_003579.4(RAD54L):c.1742A>G (p.Asn581Ser)

Gene: RAD54L (RAD54 like; plus strand). Cytogenetic location: 1p34.1.
Variant type: single nucleotide variant.
Coding change: c.1742A>G on transcript NM_003579.4 (MANE Select); coding-DNA position 1742, A replaced by G.
Protein change: p.Asn581Ser; replaces asparagine 581 with serine.
Molecular consequence: missense variant.
Genome position (GRCh38, 1-based): chr1:46,274,590, A>G. VCF-style: chr1-46274590-A-G. GRCh37 (hg19) VCF-style: chr1-46740262-A-G.
Other names: c.1742A>G, p.Asn581Ser (NM_001142548.2); c.1202A>G, p.Asn401Ser (NM_001370766.1); short protein forms N401S, N581S.
Identifiers: ClinVar variation 1779218 (VCV001779218.3), dbSNP rs944371830, ClinGen allele CA21898409.

ClinVar aggregate classification (germline): Uncertain significance (1 of 4 stars; one submission).

Allele frequency attached by ClinVar (database versions not stated): gnomAD exomes 0.00001; gnomAD 0.00002; TOPMed 0.00002.
gnomAD v4.1: 18 of 1,613,586 alleles (0.0011%); highest among the groups gnomAD compares: South Asian, 0.011%; no homozygotes.

Submission:

Ambry Genetics
Classification: Uncertain significance. Last evaluated: 2023-08-30. Review status: criteria provided, single submitter. Criteria: Ambry Variant Classification Scheme 2023. Collection method: clinical testing. Allele origin: germline.
Comment: The p.N581S variant (also known as c.1742A>G), located in coding exon 16 of the RAD54L gene, results from an A to G substitution at nucleotide position 1742. The asparagine at codon 581 is replaced by serine, an amino acid with highly similar properties. This amino acid position is conserved. In addition, the in silico prediction for this alteration is inconclusive. Since supporting evidence is limited at this time, the clinical significance of this alteration remains unclear.